The following is an entry in ClinVar:

ClinVar aggregate classification (germline): Conflicting classifications of pathogenicity. Review status: criteria provided, conflicting classifications (1 of 4 stars). 3 submissions from 3 submitters: Uncertain significance (2); Likely benign (1). Last evaluated 2025-06-30.

Conditions:
FG syndrome (FGS). Identifiers: MedGen C0220769, MONDO:0002010.

Submissions (3):

Revvity Omics, Revvity
Classification: Uncertain significance. Last evaluated: 2025-06-30. Review status: criteria provided, single submitter. Criteria: ACMG Guidelines, 2015. Collection method: clinical testing. Allele origin: germline.

Labcorp Genetics (formerly Invitae), Labcorp
Classification: Uncertain significance for FG syndrome. Last evaluated: 2024-12-15. Review status: criteria provided, single submitter. Criteria: Invitae Variant Classification Sherloc (09022015). Collection method: clinical testing. Allele origin: germline.
Comment: This variant, c.6336_6362del, results in the deletion of 9 amino acid(s) of the MED12 protein (p.Gln2115_Gln2123del), but otherwise preserves the integrity of the reading frame. The frequency data for this variant in the population databases is considered unreliable, as metrics indicate poor data quality at this position in the gnomAD database. This variant has not been reported in the literature in individuals affected with MED12-related conditions. ClinVar contains an entry for this variant (Variation ID: 515307). Experimental studies and prediction algorithms are not available or were not evaluated, and the functional significance of this variant is currently unknown. In summary, the available evidence is currently insufficient to determine the role of this variant in disease. Therefore, it has been classified as a Variant of Uncertain Significance.

GeneDx
Classification: Likely benign. Last evaluated: 2018-02-08. Review status: criteria provided, single submitter. Criteria: GeneDx Variant Classification (06012015). Collection method: clinical testing. Allele origin: germline. Affected: yes.
Comment: This variant is considered likely benign or benign based on one or more of the following criteria: it is a conservative change, it occurs at a poorly conserved position in the protein, it is predicted to be benign by multiple in silico algorithms, and/or has population frequency not consistent with disease.

NM_005120.3(MED12):c.6336_6362del (p.Gln2115_Gln2123del)

Gene: MED12 (mediator complex subunit 12; plus strand). Cytogenetic location: Xq13.1.
Variant type: Deletion.
Coding change: c.6336_6362del on transcript NM_005120.3 (MANE Select); coding-DNA positions 6336 to 6362, 27 bases deleted (ACAACAGCAACACCAGCAGCAACAGCA).
Protein change: p.Gln2115_Gln2123del.
Molecular consequence: inframe deletion.
Genome position (GRCh38, 1-based): chrX:71,141,298-71,141,324, ACAACAGCAACACCAGCAGCAACAGCA deleted; deleting any 27 consecutive bases within chrX:71,141,284-71,141,324 gives the same sequence; the c. name uses the placement nearest the transcript's 3' end. VCF-style (leftmost placement, unchanged base first): chrX-71141283-GCAGCAGCAACAGCAACAACAGCAACAC-G. GRCh37 (hg19) VCF-style: chrX-70361133-GCAGCAGCAACAGCAACAACAGCAACAC-G.
Other names: c.6336_6362del (NM_005120.2); c.6336_6362del27 (NM_005120.2).
Identifiers: ClinVar variation 515307 (VCV000515307.9), dbSNP rs1353930135, ClinGen allele CA641958676.